The following continues an entry in ClinVar:

NM_000048.4(ASL):c.857A>G (p.Gln286Arg)

Gene: ASL. ClinVar aggregate classification (germline): Pathogenic/Likely pathogenic. Pathogenic (16); Likely pathogenic (1).

Submissions 15 to 18 of 18:

Illumina Laboratory Services, Illumina
Classification: Pathogenic for Argininosuccinate lyase deficiency. Last evaluated: 2017-08-30. Review status: criteria provided, single submitter. Criteria: ICSL Variant Classification Criteria 09 May 2019. Collection method: clinical testing. Allele origin: germline.
Comment: Across a selection of the available literature, the ASL c.857A>G (p.Gln286Arg) missense variant has been identified in a total of 18 individuals with argininosuccinate lyase deficiency, including in nine individuals in a homozygous state, in seven individuals in a compound heterozygous state and in two affected individuals in a heterozygous state in whom a second variant was not identified (Walker et al. 1997; Linnebank et al. 2002; Balmer et al. 2014). In two of the compound heterozygotes the second variant results is a frameshift leading to early termination of the protein and in the remaining four compound heterozygotes it is a missense variant. In the study by Balmer et al. (2014), four of the homozygotes and two of the compound heterozygotes were noted to have neonatal onset of the disease with one of the compound heterozygotes noted to have late onset of the disease. The age of onset for the remaining four homozygotes and four compound heterozygotes was unknown. The variant has been noted to be associated with a severe phenotype (Balmer et al. 2014). The p.Gln286Arg variant was absent from 20 controls (Walker et al. 1997) and is reported at a frequency of 0.00047 in the other population of the Exome Aggregation Consortium. Sampaleanu et al. (2001) note that the Gln286 residue is located in a highly conserved and flexible loop region of the protein that has been proposed to be involved in entry of the substrate and exit of the product at the catalytic center. Substitution of the glutamine at this residue to arginine changes the interactions of this loop and neighbouring residues that may impact catalysis. Expression of the variant p.Gln286Arg protein in COS-1 cells and HEK293T cells resulted in a similar level of protein expression of the correct size compared to wild type (Walker et al. 1997; Hu et al. 2015). However, the variant protein was shown to retain no significant residual enzymatic activity in either patient-derived red blood cells (less than 5%) or fibroblasts (less than 3%) or when expressed in E.coli, COS-1 cells (0.05%), or HEK293T cells (Walker et al. 1997; Balmer et al. 2014; Hu et al. 2015). Based on the collective evidence, the p.Gln286Arg variant is classified as pathogenic for argininosuccinate lyase deficiency. This variant was observed by ICSL as part of a predisposition screen in an ostensibly healthy population.

Women's Health and Genetics/Laboratory Corporation of America, LabCorp
Classification: Pathogenic for Argininosuccinate lyase deficiency. Last evaluated: 2016-11-03. Review status: criteria provided, single submitter. Criteria: LabCorp Variant Classification Summary - May 2015. Collection method: clinical testing. Allele origin: germline.
Comment: Variant summary: The ASL c.857A>G (p.Gln286Arg) variant is indicated to located on the highly conserved and flexible loop C3 comprising residues 270-290 (called 280's loop) that has been proposed to be involved in entry of the substrate and exit of the product at the catalytic center (Balmer_2012) with 4/5 in silico tools predict a damaging outcome, which is further supported by functional studies, Trevisson_2009. The variant of interest was observed in the large, broad control population, ExAC, with an allele frequency of 9/120022 (1/13335), which does not exceed the estimated maximal expected allele frequency for a pathogenic ASL variant of 1/236. The variant of interest has been reported in multiple affected individuals, both as compound heterozygotes and homozygotes, via publications. In addition, multiple databases/clinical diagnostic laboratories have cited the variant as "pathogenic." Therefore, the variant of interest has been classified as Pathogenic.

Eurofins Ntd Llc (ga)
Classification: Pathogenic. Last evaluated: 2013-01-22. Review status: criteria provided, single submitter. Criteria: EGL Classification Definitions 2015. Collection method: clinical testing. Allele origin: germline. Observed: 2 variant alleles, 2 heterozygotes.

OMIM
Classification: Pathogenic for ARGININOSUCCINIC ACIDURIA. Last evaluated: 2016-06-24. Review status: no assertion criteria provided. Collection method: literature only. Allele origin: germline. Not counted in ClinVar's aggregate classification.

Literature cited by the submitters: PubMed 11747432 (cited by 4 submitters); PubMed 9045711 (cited by OLLIN Analises Genomicas, OLLIN and Illumina Laboratory Services, Illumina); PubMed 12384776 (cited by OLLIN Analises Genomicas, OLLIN and Illumina Laboratory Services, Illumina); PubMed 24166829 (cited by 5 submitters); PubMed 12408190 (cited by Labcorp Genetics (formerly Invitae), Labcorp and Otogenetics); PubMed 19703900 (cited by 5 submitters); PubMed 21667091 (cited by 3 submitters); PubMed 23430928 (cited by Labcorp Genetics (formerly Invitae), Labcorp); PubMed 9686346 (cited by 3 submitters); PubMed 11747433 (cited by Labcorp Genetics (formerly Invitae), Labcorp and Myriad Genetics, Inc.); PubMed 11092456 (cited by Otogenetics); PubMed 15273245 (cited by Myriad Genetics, Inc.); PubMed 25778938 (cited by Myriad Genetics, Inc. and Illumina Laboratory Services, Illumina); Walker, D. C., McCloskey, D. A., Simard, L. R., McInnes, R. R. Identification of a mutation frequently involved in interallelic complementation at the human argininosuccinic acid lyase locus. (Abstract) Am. J. Hum. Genet. 47 (suppl.): A169-only, 1990. (cited by OMIM).